The following is an entry in ClinVar:

NM_001211.6(BUB1B):c.749A>G (p.Lys250Arg)

Gene: BUB1B (BUB1 mitotic checkpoint serine/threonine kinase B; plus strand). Cytogenetic location: 15q15.1.
Variant type: single nucleotide variant.
Coding change: c.749A>G on transcript NM_001211.6 (MANE Select); coding-DNA position 749, A replaced by G.
Protein change: p.Lys250Arg; replaces lysine 250 with arginine.
Molecular consequence: missense variant.
Genome position (GRCh38, 1-based): chr15:40,183,881, A>G. VCF-style: chr15-40183881-A-G. GRCh37 (hg19) VCF-style: chr15-40476082-A-G.
Other names: short protein forms K250R.
Identifiers: ClinVar variation 2565458 (VCV002565458.2), dbSNP rs2542533740, ClinGen allele CA391683522.
Genomic context (GRCh38, chr15:40,183,881, plus strand): 5'-TAAAGAGCAAAGGGAAAAAGACAGCAAGAGCTCCAATCATCCGTGTAGGAGGTGCTCTCA[A>G]GGGTAAGTTTGTTAAACGTTATTTCGGAAAACTGTTAGTTTCTAGTGGTAAAATCATGTA-3'
Protein context (NP_001202.5, residues 240-260): APIIRVGGAL[Lys250Arg]APSQNRGLQN

ClinVar aggregate classification (germline): Uncertain significance (1 of 4 stars; one submission).

Conditions:
Inborn genetic diseases. Identifiers: MedGen C0950123, MeSH D030342.

gnomAD v4.1: 1 of 1,614,016 alleles (0.000062%); highest among the groups gnomAD compares: African/African-American, 0.0013%; no homozygotes.

Submission:

Ambry Genetics
Classification: Uncertain significance for Inborn genetic diseases. Last evaluated: 2023-05-04. Review status: criteria provided, single submitter. Criteria: Ambry Variant Classification Scheme 2023. Collection method: clinical testing. Allele origin: germline.
Comment: The p.K250R variant (also known as c.749A>G), located in coding exon 6 of the BUB1B gene, results from an A to G substitution at nucleotide position 749. The lysine at codon 250 is replaced by arginine, an amino acid with highly similar properties. This amino acid position is conserved. In addition, this alteration is predicted to be tolerated by in silico analysis. Since supporting evidence is limited at this time, the clinical significance of this alteration remains unclear.